The following is an entry in ClinVar:

NM_031407.7(HUWE1):c.4411C>T (p.Arg1471Cys)

Gene: HUWE1 (HECT, UBA and WWE domain containing E3 ubiquitin protein ligase 1; minus strand). Cytogenetic location: Xp11.22.
Variant type: single nucleotide variant.
Coding change: c.4411C>T on transcript NM_031407.7 (MANE Select); coding-DNA position 4411, C replaced by T.
Protein change: p.Arg1471Cys; replaces arginine 1471 with cysteine.
Molecular consequence: missense variant.
Genome position (GRCh38, 1-based): chrX:53,589,597, G>A on the plus strand (C>T on the coding strand, the complement: HUWE1 is on the minus strand). VCF-style: chrX-53589597-G-A. GRCh37 (hg19) VCF-style: chrX-53616557-G-A.
Other names: short protein forms R1471C.
Identifiers: ClinVar variation 3342933 (VCV003342933.2).

ClinVar aggregate classification (germline): Uncertain significance (1 of 4 stars; one submission).

gnomAD v4.1: 3 of 1,208,782 alleles (0.00025%); highest among the groups gnomAD compares: Non-Finnish European, 0.00034%; no homozygotes.

Submission:

GeneDx
Classification: Uncertain significance. Last evaluated: 2026-04-26. Review status: criteria provided, single submitter. Criteria: GeneDx Variant Classification Process June 2021. Collection method: clinical testing. Allele origin: germline.
Comment: Not observed at significant frequency in large population cohorts (gnomAD); In silico analysis supports that this missense variant has a deleterious effect on protein structure/function; Has not been previously published as pathogenic or benign to our knowledge